The following is an entry in ClinVar:

ClinVar aggregate classification (germline): Uncertain significance (1 of 4 stars; one submission).

Submission:

Labcorp Genetics (formerly Invitae), Labcorp
Classification: Uncertain significance. Last evaluated: 2022-12-06. Review status: criteria provided, single submitter. Criteria: Invitae Variant Classification Sherloc (09022015). Collection method: clinical testing. Allele origin: germline.
Comment: This sequence change replaces glycine, which is neutral and non-polar, with aspartic acid, which is acidic and polar, at codon 481 of the SLC9A3 protein (p.Gly481Asp). Information on the frequency of this variant in the gnomAD database is not available, as this variant may be reported differently in the database. This variant has not been reported in the literature in individuals affected with SLC9A3-related conditions. ClinVar contains an entry for this variant (Variation ID: 1715770). Algorithms developed to predict the effect of missense changes on protein structure and function are either unavailable or do not agree on the potential impact of this missense change (SIFT: "Not Available"; PolyPhen-2: "Benign"; Align-GVGD: "Not Available"). In summary, the available evidence is currently insufficient to determine the role of this variant in disease. Therefore, it has been classified as a Variant of Uncertain Significance.

NM_004174.4(SLC9A3):c.1442_1443delinsAC (p.Gly481Asp)

Gene: SLC9A3 (solute carrier family 9 member A3). Cytogenetic location: 5p15.33.
Variant type: Indel.
Coding change: c.1442_1443delinsAC on transcript NM_004174.4 (MANE Select); coding-DNA positions 1442 to 1443, the reference bases replaced by AC.
Protein change: p.Gly481Asp; replaces glycine 481 with aspartic acid.
Molecular consequence: missense variant.
Genome position: GRCh38 VCF-style: chr5-482071-CC-GT. GRCh37 (hg19) VCF-style: chr5-482186-CC-GT.
Other names: c.1415_1416delinsAC, p.Gly472Asp (NM_001284351.3); short protein forms G472D, G481D.
Identifiers: ClinVar variation 1715770 (VCV001715770.5), dbSNP rs2477580728, ClinGen allele CA2580073109.